The following is an entry in ClinVar:

ClinVar aggregate classification (germline): Uncertain significance (1 of 4 stars; one submission).

Submission:

Labcorp Genetics (formerly Invitae), Labcorp
Classification: Uncertain significance. Last evaluated: 2025-07-14. Review status: criteria provided, single submitter. Criteria: Invitae Variant Classification Sherloc (09022015). Collection method: clinical testing. Allele origin: germline.
Comment: This sequence change replaces proline, which is neutral and non-polar, with serine, which is neutral and polar, at codon 71 of the MED17 protein (p.Pro71Ser). The frequency data for this variant in the population databases is considered unreliable, as metrics indicate poor data quality at this position in the gnomAD database. This variant has not been reported in the literature in individuals affected with MED17-related conditions. An algorithm developed to predict the effect of missense changes on protein structure and function (PolyPhen-2) suggests that this variant is likely to be tolerated. In summary, the available evidence is currently insufficient to determine the role of this variant in disease. Therefore, it has been classified as a Variant of Uncertain Significance.

NM_004268.5(MED17):c.211C>T (p.Pro71Ser)

Genes: MED17 (mediator complex subunit 17; plus strand), LOC130006596 (ATAC-STARR-seq lymphoblastoid silent region 3840; plus strand). Cytogenetic location: 11q21.
Variant type: single nucleotide variant.
Coding change: c.211C>T on transcript NM_004268.5 (MANE Select); coding-DNA position 211, C replaced by T.
Protein change: p.Pro71Ser; replaces proline 71 with serine.
Molecular consequence: missense variant.
Genome position (GRCh38, 1-based): chr11:93,784,724, C>T. VCF-style: chr11-93784724-C-T. GRCh37 (hg19) VCF-style: chr11-93517890-C-T.
Other names: short protein forms P71S.
Identifiers: ClinVar variation 4704280 (VCV004704280.1).